The following is an entry in ClinVar:

ClinVar aggregate classification (germline): Uncertain significance (1 of 4 stars; one submission).

Conditions:
Long QT syndrome (LQTS). Identifiers: MedGen C0023976, MeSH D008133, MONDO:0002442. Disease mechanism: loss of function. Inheritance: Various modes of inheritance.

gnomAD v4.1: 5 of 1,613,980 alleles (0.00031%); highest among the groups gnomAD compares: Middle Eastern, 0.033%; no homozygotes.

Submission:

Labcorp Genetics (formerly Invitae), Labcorp
Classification: Uncertain significance for Long QT syndrome. Last evaluated: 2025-06-29. Review status: criteria provided, single submitter. Criteria: Invitae Variant Classification Sherloc (09022015). Collection method: clinical testing. Allele origin: germline.
Comment: This sequence change replaces leucine, which is neutral and non-polar, with valine, which is neutral and non-polar, at codon 2543 of the AKAP9 protein (p.Leu2543Val). This variant is not present in population databases (gnomAD no frequency). This variant has not been reported in the literature in individuals affected with AKAP9-related conditions. An algorithm developed to predict the effect of missense changes on protein structure and function (PolyPhen-2) suggests that this variant is likely to be disruptive. In summary, the available evidence is currently insufficient to determine the role of this variant in disease. Therefore, it has been classified as a Variant of Uncertain Significance.

NM_005751.5(AKAP9):c.7627C>G (p.Leu2543Val)

Gene: AKAP9 (A-kinase anchoring protein 9; plus strand). Cytogenetic location: 7q21.2.
Variant type: single nucleotide variant.
Coding change: c.7627C>G on transcript NM_005751.5 (MANE Select); coding-DNA position 7627, C replaced by G.
Protein change: p.Leu2543Val; replaces leucine 2543 with valine.
Molecular consequence: missense variant.
Genome position (GRCh38, 1-based): chr7:92,079,760, C>G. VCF-style: chr7-92079760-C-G. GRCh37 (hg19) VCF-style: chr7-91709074-C-G.
Other names: c.2272C>G, p.Leu758Val (NM_001379277.1); c.7603C>G, p.Leu2535Val (NM_147185.3); short protein forms L2535V, L2543V, L758V.
Identifiers: ClinVar variation 4707583 (VCV004707583.1).